The following is an entry in ClinVar:

ClinVar aggregate classification (germline): Uncertain significance (1 of 4 stars; one submission).

Submission:

Labcorp Genetics (formerly Invitae), Labcorp
Classification: Uncertain significance. Last evaluated: 2021-09-06. Review status: criteria provided, single submitter. Criteria: Invitae Variant Classification Sherloc (09022015). Collection method: clinical testing. Allele origin: germline.
Comment: In summary, the available evidence is currently insufficient to determine the role of this variant in disease. Therefore, it has been classified as a Variant of Uncertain Significance. Algorithms developed to predict the effect of missense changes on protein structure and function (SIFT, PolyPhen-2, Align-GVGD) all suggest that this variant is likely to be tolerated. This variant has not been reported in the literature in individuals affected with DDX58-related conditions. This variant is not present in population databases (ExAC no frequency). This sequence change replaces histidine with arginine at codon 786 of the DDX58 protein (p.His786Arg). The histidine residue is weakly conserved and there is a small physicochemical difference between histidine and arginine.

NM_014314.4(RIGI):c.2357A>G (p.His786Arg)

Genes: RIGI (RNA sensor RIG-I; minus strand), LOC101060445 (uncharacterized LOC101060445; plus strand). Cytogenetic location: 9p21.1.
Variant type: single nucleotide variant.
Coding change: c.2357A>G on transcript NM_014314.4 (MANE Select); coding-DNA position 2357, A replaced by G.
Protein change: p.His786Arg; replaces histidine 786 with arginine.
Molecular consequence: missense variant.
Genome position (GRCh38, 1-based): chr9:32,459,495, T>C on the plus strand (A>G on the coding strand, the complement: RIGI is on the minus strand). VCF-style: chr9-32459495-T-C. GRCh37 (hg19) VCF-style: chr9-32459493-T-C.
Other names: c.2351A>G, p.His784Arg (NM_001385907.1); c.2186A>G, p.His729Arg (NM_001385909.1); c.1916A>G, p.His639Arg (NM_001385910.1); c.1748A>G, p.His583Arg (NM_001385912.1); c.2342A>G, p.His781Arg (NM_001385913.1); c.1913A>G, p.His638Arg (NM_001385914.1); short protein forms H639R, H781R, H784R, H786R, H583R, H638R, H729R.
Identifiers: ClinVar variation 1464184 (VCV001464184.6), dbSNP rs955518383, ClinGen allele CA373144582.